The following is an entry in ClinVar:

ClinVar aggregate classification (germline): Uncertain significance (1 of 4 stars; one submission).

Submission:

Labcorp Genetics (formerly Invitae), Labcorp
Classification: Uncertain significance. Last evaluated: 2022-12-17. Review status: criteria provided, single submitter. Criteria: Invitae Variant Classification Sherloc (09022015). Collection method: clinical testing. Allele origin: germline.
Comment: In summary, the available evidence is currently insufficient to determine the role of this variant in disease. Therefore, it has been classified as a Variant of Uncertain Significance. Algorithms developed to predict the effect of missense changes on protein structure and function are either unavailable or do not agree on the potential impact of this missense change (SIFT: "Deleterious"; PolyPhen-2: "Possibly Damaging"; Align-GVGD: "Class C0"). This variant has not been reported in the literature in individuals affected with HMCN1-related conditions. This variant is not present in population databases (gnomAD no frequency). This sequence change replaces tryptophan, which is neutral and slightly polar, with cysteine, which is neutral and slightly polar, at codon 735 of the HMCN1 protein (p.Trp735Cys).

NM_031935.3(HMCN1):c.2205G>C (p.Trp735Cys)

Gene: HMCN1 (hemicentin 1; plus strand). Cytogenetic location: 1q31.1.
Variant type: single nucleotide variant.
Coding change: c.2205G>C on transcript NM_031935.3 (MANE Select); coding-DNA position 2205, G replaced by C.
Protein change: p.Trp735Cys; replaces tryptophan 735 with cysteine.
Molecular consequence: missense variant.
Genome position (GRCh38, 1-based): chr1:185,965,908, G>C. VCF-style: chr1-185965908-G-C. GRCh37 (hg19) VCF-style: chr1-185935040-G-C.
Other names: short protein forms W735C.
Identifiers: ClinVar variation 2821803 (VCV002821803.3), dbSNP rs757160285, ClinGen allele CA343877665.